The following is an entry in ClinVar:

ClinVar aggregate classification (germline): Uncertain significance (1 of 4 stars; one submission).

Conditions:
Developmental delay with autism spectrum disorder and gait instability (MRT38). Also called: Intellectual developmental disorder, autosomal recessive 38. Identifiers: Orphanet 329195, MedGen C3809753, MONDO:0014224, OMIM 615516.
SKIN/HAIR/EYE PIGMENTATION 1, BLUE/NONBLUE EYES (SHEP1). Also called: BROWN EYE COLOR 2; SKIN/HAIR/EYE PIGMENTATION 1, BLOND/BROWN HAIR; SKIN/HAIR/EYE PIGMENTATION 1, BLUE/BROWN EYES; EYE COLOR 3; EYE COLOR, BLUE/NONBLUE; EYE COLOR, BROWN/BLUE. Identifiers: MedGen C1856895, OMIM 227220.

Submission:

Juno Genomics, Hangzhou Juno Genomics, Inc
Classification: Uncertain significance for SKIN/HAIR/EYE PIGMENTATION 1, BLUE/NONBLUE EYES; Developmental delay with autism spectrum disorder and gait instability. Review status: criteria provided, single submitter. Criteria: ACMG Guidelines, 2015. Collection method: clinical testing. Allele origin: germline.
Comment: Missense variant in a gene that has a low rate of benign missense variation.;Multiple lines of computational evidence support a deleterious effect on the gene or gene product.;Absent from controls (or at extremely low frequency if recessive) in Genome Aggregation Database.

NM_004667.6(HERC2):c.8184C>G (p.Asp2728Glu)

Gene: HERC2 (HECT and RLD domain containing E3 ubiquitin protein ligase 2; minus strand). Cytogenetic location: 15q13.1.
Variant type: single nucleotide variant.
Coding change: c.8184C>G on transcript NM_004667.6 (MANE Select); coding-DNA position 8184, C replaced by G.
Protein change: p.Asp2728Glu; replaces aspartic acid 2728 with glutamic acid.
Molecular consequence: missense variant.
Genome position (GRCh38, 1-based): chr15:28,196,291, G>C on the plus strand (C>G on the coding strand, the complement: HERC2 is on the minus strand). VCF-style: chr15-28196291-G-C. GRCh37 (hg19) VCF-style: chr15-28441437-G-C.
Other names: short protein forms D2728E.
Identifiers: ClinVar variation 5005381 (VCV005005381.2).